The following continues an entry in ClinVar:

NM_000404.4(GLB1):c.176G>A (p.Arg59His)

Gene: GLB1. ClinVar aggregate classification (germline): Pathogenic/Likely pathogenic. Pathogenic (17); Likely pathogenic (1).

Submissions 13 to 28 of 28:

Centre for Mendelian Genomics, University Medical Centre Ljubljana
Classification: Likely pathogenic for GM1 gangliosidosis type 3. Last evaluated: 2019-01-09. Review status: criteria provided, single submitter. Criteria: ACMG Guidelines, 2015. Collection method: clinical testing. Allele origin: unknown. Affected: yes.
Comment: This variant was classified as: Likely pathogenic. The following ACMG criteria were applied in classifying this variant: PS1,PM2,PP3,PP2.

Women's Health and Genetics/Laboratory Corporation of America, LabCorp
Classification: Pathogenic for Mucopolysaccharidosis, MPS-IV-B. Last evaluated: 2018-11-29. Review status: criteria provided, single submitter. Criteria: LabCorp Variant Classification Summary - May 2015. Collection method: clinical testing. Allele origin: germline.
Comment: Variant summary: GLB1 c.176G>A (p.Arg59His) results in a non-conservative amino acid change located in the Glycoside hydrolase 35, catalytic domain of the encoded protein sequence. Five of five in-silico tools predict a damaging effect of the variant on protein function. The variant allele was found at a frequency of 4.1e-05 in 120758 control chromosomes. c.176G>A has been reported in the literature in multiple individuals affected with Mucopolysaccharidosis Type IVB (Morquio Syndrome B) (Santamaria_2007, Silva_1999), in which two homozygote patients were found to have <10% enzyme activity (Santamaria_2007). These data indicate that the variant is very likely to be associated with disease. A ClinVar submssion from a clinical diagnostic laboratory (evaluation after 2014) cites the variant as pathogenic. Based on the evidence outlined above, the variant was classified as pathogenic.

Illumina Laboratory Services, Illumina
Classification: Pathogenic for GM1 gangliosidosis. Last evaluated: 2018-03-08. Review status: criteria provided, single submitter. Criteria: ICSL Variant Classification Criteria 09 May 2019. Collection method: clinical testing. Allele origin: germline.
Comment: Across a selection of the available literature, the GLB1 c.176G>A (p.Arg59His) missense variant has been reported in at least three studies and is found in at least 15 individuals with GM1-gangliosidosis, including in ten in a homozygous state and in five in a compound heterozygous state (Silva et al. 1999; Morrone et al. 2000; Santamaria et al. 2007). All of the reported probands presented with infantile GM1-gangliosidosis. The p.Arg59His variant was absent from 200 control chromosomes and is reported at a frequency of 0.000089 in the Latino population of the Genome Aggregation Database. Functional analysis in proband fibroblasts and COS-7 cells found that the p.Arg59His variant exhibited a nearly complete loss of enzymatic activity compared to wild type (Santamaria et al. 2007). Based on the evidence, the p.Arg59His variant is classified as pathogenic for GM1-gangliosidosis. This variant was observed by ICSL as part of a predisposition screen in an ostensibly healthy population.

Eurofins Ntd Llc (ga)
Classification: Pathogenic. Last evaluated: 2013-02-18. Review status: criteria provided, single submitter. Criteria: EGL Classification Definitions. Collection method: clinical testing. Allele origin: germline. Observed: 3 variant alleles, 2 heterozygotes, 1 homozygote.

Baylor Genetics
Classification: Pathogenic for Infantile GM1 gangliosidosis; GM1 gangliosidosis type 2; GM1 gangliosidosis type 3; Mucopolysaccharidosis, MPS-IV-B. Last evaluated: 2012-07-03. Review status: criteria provided, single submitter. Criteria: ACMG Guidelines, 2015. Collection method: clinical testing. Allele origin: germline. Affected: yes.

Juno Genomics, Hangzhou Juno Genomics, Inc
Classification: Pathogenic for Infantile GM1 gangliosidosis; GM1 gangliosidosis type 2; GM1 gangliosidosis type 3; Mucopolysaccharidosis, MPS-IV-B. Review status: criteria provided, single submitter. Criteria: ACMG Guidelines, 2015. Collection method: clinical testing. Allele origin: germline.
Comment: Absent from controls (or at extremely low frequency if recessive) in Genome Aggregation Database.;Multiple lines of computational evidence support a deleterious effect on the gene or gene product.;For recessive disorders, detected in trans with a pathogenic variant.

Counsyl
Classification: Pathogenic for Infantile GM1 gangliosidosis. Last evaluated: 2017-12-18. Review status: no assertion criteria provided. Collection method: clinical testing. Allele origin: unknown. Not counted in ClinVar's aggregate classification.

Counsyl
Classification: Pathogenic for GM1 gangliosidosis type 2. Last evaluated: 2017-12-18. Review status: no assertion criteria provided. Collection method: clinical testing. Allele origin: unknown. Not counted in ClinVar's aggregate classification.

Counsyl
Classification: Pathogenic for GM1 gangliosidosis type 3. Last evaluated: 2017-12-18. Review status: no assertion criteria provided. Collection method: clinical testing. Allele origin: unknown. Not counted in ClinVar's aggregate classification.

Counsyl
Classification: Pathogenic for Mucopolysaccharidosis, MPS-IV-B. Last evaluated: 2017-12-18. Review status: no assertion criteria provided. Collection method: clinical testing. Allele origin: unknown. Not counted in ClinVar's aggregate classification.

OMIM
Classification: Pathogenic for GM1-GANGLIOSIDOSIS, TYPE I, WITH CARDIAC INVOLVEMENT. Last evaluated: 2007-03-01. Review status: no assertion criteria provided. Collection method: literature only. Allele origin: germline. Not counted in ClinVar's aggregate classification.

OMIM
Classification: Pathogenic for GM1-GANGLIOSIDOSIS, TYPE I. Last evaluated: 2007-03-01. Review status: no assertion criteria provided. Collection method: literature only. Allele origin: germline. Not counted in ClinVar's aggregate classification.

Diagnostic Laboratory, Department of Genetics, University Medical Center Groningen
Classification: Pathogenic. Review status: no assertion criteria provided. Collection method: clinical testing. Allele origin: germline. Affected: yes. Study: VKGL Data-share Consensus. Not counted in ClinVar's aggregate classification.

GeneReviews
No classification provided. Condition: Infantile GM1 gangliosidosis. Review status: no classification provided. Collection method: literature only. Allele origin: germline. Not counted in ClinVar's aggregate classification.
Comment: High prevalence in Roma and Brazilian populations; associated with GM1 infantile and juvenile forms

Joint Genome Diagnostic Labs from Nijmegen and Maastricht, Radboudumc and MUMC+
Classification: Pathogenic. Review status: no assertion criteria provided. Collection method: clinical testing. Allele origin: germline. Affected: yes. Study: VKGL Data-share Consensus. Not counted in ClinVar's aggregate classification.

Laboratory of Molecular Genetics MedGen
No classification provided. Condition: Juvenile GM>1< gangliosidosis. Review status: no classification provided. Collection method: not provided. Allele origin: somatic. Not counted in ClinVar's aggregate classification.

Literature cited by the submitters: PubMed 10338095 (cited by 7 submitters); PubMed 16941474 (cited by 4 submitters); PubMed 17309651 (cited by 5 submitters); PubMed 17664528 (cited by 6 submitters); PubMed 31497487 (cited by Natera, Inc. and Ambry Genetics); PubMed 28939701 (cited by Natera, Inc. and Ambry Genetics); PubMed 10737981 (cited by 5 submitters); PubMed 21637542 (cited by 3 submitters); PubMed 15714521 (cited by 3 submitters); PubMed 31776384 (cited by Dasa); PubMed 15906092 (cited by Dasa); PubMed 9781688 (cited by Dasa); PubMed 21214877 (cited by Ambry Genetics); PubMed 21520340 (cited by Ambry Genetics); PubMed 23046582 (cited by Ambry Genetics); PubMed 26337817 (cited by Ambry Genetics); PubMed 31216405 (cited by Ambry Genetics); PubMed 31761138 (cited by Ambry Genetics); PubMed 32036093 (cited by Ambry Genetics).